The following is an entry in ClinVar:

NM_201253.3(CRB1):c.2969del (p.Leu990fs)

Gene: CRB1 (crumbs cell polarity complex component 1; plus strand). Cytogenetic location: 1q31.3.
Variant type: Deletion.
Coding change: c.2969del on transcript NM_201253.3 (MANE Select); coding-DNA position 2969, one base deleted (T; older notation c.2969delT).
Protein change: p.Leu990fs; shifts the reading frame from leucine 990.
Molecular consequence: frameshift variant. On other transcripts: non-coding transcript variant (2), intron variant (1).
Genome position (GRCh38, 1-based): chr1:197,434,832, T deleted; the last of 2 consecutive T bases (chr1:197,434,831-197,434,832); deleting either gives the same sequence. VCF-style (leftmost placement, unchanged base first): chr1-197434830-AT-A. GRCh37 (hg19) VCF-style: chr1-197403960-AT-A.
Other names: c.2633del, p.Leu878fs (NM_001193640.2); c.2897del, p.Leu966fs (NM_001257965.2); c.2129-768del (NM_001257966.2); short protein forms L878fs, L966fs, L990fs.
Identifiers: ClinVar variation 2929383 (VCV002929383.3), dbSNP rs2528196780, ClinGen allele CA2649670638.
Genomic context (GRCh38, chr1:197,434,830, plus strand): 5'-TACCAGAGAACTCACCAATATCACATTTGGTTTCAGAACAAGGGATGCAAATGTAATAAT[AT>A]TGCATGCAGAAAAAGAGCCTGAATTTCTTAATATTAGCATTCAAGATTCCAGATTATTCT-3'

ClinVar aggregate classification (germline): Pathogenic (1 of 4 stars; one submission).

Conditions:
Retinitis pigmentosa 12 (RP12). Also called: RP WITH OR WITHOUT PRESERVED PARAARTERIOLE RETINAL PIGMENT EPITHELIUM; RETINITIS PIGMENTOSA WITH OR WITHOUT PARAARTERIOLAR PRESERVATION OF RETINAL PIGMENT EPITHELIUM; RP WITH OR WITHOUT PPRPE. Identifiers: Orphanet 791, MedGen C1838647, MONDO:0010818, OMIM 600105.
Leber congenital amaurosis 8 (LCA8). Identifiers: Orphanet 65, MedGen C3151202, MONDO:0013453, OMIM 613835.

Submission:

Labcorp Genetics (formerly Invitae), Labcorp
Classification: Pathogenic for Leber congenital amaurosis 8; Retinitis pigmentosa 12. Last evaluated: 2024-03-01. Review status: criteria provided, single submitter. Criteria: Invitae Variant Classification Sherloc (09022015). Collection method: clinical testing. Allele origin: germline.
Comment: This sequence change creates a premature translational stop signal (p.Leu990Cysfs*32) in the CRB1 gene. It is expected to result in an absent or disrupted protein product. Loss-of-function variants in CRB1 are known to be pathogenic (PMID: 10508521, 22065545, 23379534, 25412400, 26957898, 28041643, 29391521). This variant is not present in population databases (gnomAD no frequency). This variant has not been reported in the literature in individuals affected with CRB1-related conditions. For these reasons, this variant has been classified as Pathogenic.

Literature cited by the submitters: PubMed 10508521; PubMed 22065545; PubMed 23379534; PubMed 25412400; PubMed 26957898; PubMed 28041643; PubMed 29391521.